The following is an entry in ClinVar:

ClinVar aggregate classification (germline): Pathogenic/Likely pathogenic. Review status: criteria provided, multiple submitters, no conflicts (2 of 4 stars). 2 submissions from 2 submitters: Pathogenic (1); Likely pathogenic (1). Last evaluated 2025-12-17.

Conditions:
Retinal dystrophy. Also called: Inherited retinal dystrophy. Identifiers: Orphanet 71862, MedGen C0854723, MeSH D058499, MONDO:0019118, HP:0000556.
Retinitis pigmentosa 25 (RP25). Identifiers: Orphanet 791, MedGen C1864446, MONDO:0011272, OMIM 602772.

Submissions (2):

Myriad Genetics, Inc.
Classification: Likely pathogenic for Retinitis pigmentosa 25. Last evaluated: 2025-12-17. Review status: criteria provided, single submitter. Criteria: Myriad Autosomal Dominant, Autosomal Recessive and X-Linked Classification Criteria (2023). Collection method: clinical testing. Allele origin: unknown.
Comment: NM_001142800.1(EYS):c.2023+1G>T is a variant in a canonical splice site classified as likely pathogenic in the context of retinitis pigmentosa, EYS-related. c.2023+1G>T has been observed in a case with relevant disease (PMID: 29785639). Relevant functional assessments of this variant are not available in the literature. c.2023+1G>T has not been observed in referenced population frequency databases. In summary, NM_001142800.1(EYS):c.2023+1G>T is a variant in a canonical splice site in a gene where loss of function is a known mechanism of disease and is predicted to disrupt protein function. Please note: this variant was assessed in the context of healthy population screening.

Dept Of Ophthalmology, Nagoya University
Classification: Pathogenic for Retinal dystrophy. Last evaluated: 2023-10-01. Review status: criteria provided, single submitter. Criteria: Submitter's publication. Collection method: research. Allele origin: germline. Affected: yes.

Literature cited by the submitters: PubMed 29785639 (cited by Myriad Genetics, Inc.).

NM_001142800.2(EYS):c.2023+1G>T

Gene: EYS (EGF-like photoreceptor maintenance factor; minus strand). Cytogenetic location: 6q12.
Variant type: single nucleotide variant.
Coding change: c.2023+1G>T on transcript NM_001142800.2 (MANE Select); the canonical splice donor site of the intron after coding-DNA position 2023, G replaced by T.
Molecular consequence: splice donor variant.
Genome position (GRCh38, 1-based): chr6:65,295,862, C>A on the plus strand (G>T on the coding strand, the complement: EYS is on the minus strand). VCF-style: chr6-65295862-C-A. GRCh37 (hg19) VCF-style: chr6-66005755-C-A.
Other names: c.2023+1G>T (NM_001292009.2).
Identifiers: ClinVar variation 3027827 (VCV003027827.2), dbSNP rs980430860, ClinGen allele CA364659282.